The following is an entry in ClinVar:

NM_021831.6(AGBL5):c.1229C>A (p.Ala410Glu)

Gene: AGBL5 (AGBL carboxypeptidase 5; plus strand). Cytogenetic location: 2p23.3.
Variant type: single nucleotide variant.
Coding change: c.1229C>A on transcript NM_021831.6 (MANE Select); coding-DNA position 1229, C replaced by A.
Protein change: p.Ala410Glu; replaces alanine 410 with glutamic acid.
Molecular consequence: missense variant. On other transcripts: non-coding transcript variant (2).
Genome position (GRCh38, 1-based): chr2:27,056,002, C>A. VCF-style: chr2-27056002-C-A. GRCh37 (hg19) VCF-style: chr2-27278870-C-A.
Other names: c.1229C>A, p.Ala410Glu (NM_001035507.3); short protein forms A410E.
Identifiers: ClinVar variation 1462092 (VCV001462092.8), dbSNP rs772072440, ClinGen allele CA44464675.
Genomic context (GRCh38, chr2:27,056,002, plus strand): 5'-AACAAACAGAGCCAGCAGAACAGAAGCTCAACAGTGTGTGGATTATGCCACAACAGTCTG[C>A]GGGGCTTGAAGAGTCAGCCCCTGATACCATCCCCCCCAAAGAGAGTGGCGTTGCTTACTA-3'
Protein context (NP_068603.4, residues 400-420): NSVWIMPQQS[Ala410Glu]GLEESAPDTI

ClinVar aggregate classification (germline): Uncertain significance (1 of 4 stars; one submission).

gnomAD v4.1: 9 of 1,614,216 alleles (0.00056%); highest among the groups gnomAD compares: Non-Finnish European, 0.00076%; no homozygotes.

Submission:

Labcorp Genetics (formerly Invitae), Labcorp
Classification: Uncertain significance. Last evaluated: 2022-06-13. Review status: criteria provided, single submitter. Criteria: Invitae Variant Classification Sherloc (09022015). Collection method: clinical testing. Allele origin: germline.
Comment: In summary, the available evidence is currently insufficient to determine the role of this variant in disease. Therefore, it has been classified as a Variant of Uncertain Significance. Algorithms developed to predict the effect of missense changes on protein structure and function (SIFT, PolyPhen-2, Align-GVGD) all suggest that this variant is likely to be tolerated. This variant has not been reported in the literature in individuals affected with AGBL5-related conditions. This variant is not present in population databases (gnomAD no frequency). This sequence change replaces alanine, which is neutral and non-polar, with glutamic acid, which is acidic and polar, at codon 410 of the AGBL5 protein (p.Ala410Glu).